The following is an entry in ClinVar:

ClinVar aggregate classification (germline): Uncertain significance. Review status: criteria provided, single submitter (1 of 4 stars). 2 submissions from 2 submitters: Uncertain significance (1). 1 of the submissions does not count toward it. Last evaluated 2024-03-01.

Conditions:
ANKZF1-related disorder. Also called: ANKZF1-related condition.

Allele frequency attached by ClinVar (database versions not stated): gnomAD exomes below 0.00001; gnomAD 0.00001.
gnomAD v4.1: 5 of 1,613,804 alleles (0.00031%); highest among the groups gnomAD compares: African/African-American, 0.0013%; no homozygotes.

Submissions (2):

Labcorp Genetics (formerly Invitae), Labcorp
Classification: Uncertain significance. Last evaluated: 2024-03-01. Review status: criteria provided, single submitter. Criteria: Invitae Variant Classification Sherloc (09022015). Collection method: clinical testing. Allele origin: germline.
Comment: This sequence change replaces glycine, which is neutral and non-polar, with arginine, which is basic and polar, at codon 393 of the ANKZF1 protein (p.Gly393Arg). This variant is not present in population databases (gnomAD no frequency). This variant has not been reported in the literature in individuals affected with ANKZF1-related conditions. An algorithm developed to predict the effect of missense changes on protein structure and function (PolyPhen-2) suggests that this variant is likely to be tolerated. In summary, the available evidence is currently insufficient to determine the role of this variant in disease. Therefore, it has been classified as a Variant of Uncertain Significance.

PreventionGenetics, part of Exact Sciences
Classification: Uncertain significance for ANKZF1-related condition. Last evaluated: 2023-12-01. Review status: no assertion criteria provided. Collection method: clinical testing. Allele origin: germline. Not counted in ClinVar's aggregate classification.
Comment: The ANKZF1 c.1177G>C variant is predicted to result in the amino acid substitution p.Gly393Arg. To our knowledge, this variant has not been reported in the literature or in a large population database, indicating this variant is rare. At this time, the clinical significance of this variant is uncertain due to the absence of conclusive functional and genetic evidence.

NM_018089.3(ANKZF1):c.1177G>C (p.Gly393Arg)

Gene: ANKZF1 (ankyrin repeat and zinc finger peptidyl tRNA hydrolase 1; plus strand). Cytogenetic location: 2q35.
Variant type: single nucleotide variant.
Coding change: c.1177G>C on transcript NM_018089.3 (MANE Select); coding-DNA position 1177, G replaced by C.
Protein change: p.Gly393Arg; replaces glycine 393 with arginine.
Molecular consequence: missense variant.
Genome position (GRCh38, 1-based): chr2:219,234,261, G>C. VCF-style: chr2-219234261-G-C. GRCh37 (hg19) VCF-style: chr2-220098983-G-C.
Other names: c.1177G>C, p.Gly393Arg (NM_001042410.2); c.547G>C, p.Gly183Arg (NM_001282792.2); short protein forms G183R, G393R.
Identifiers: ClinVar variation 3061558 (VCV003061558.4), dbSNP rs1051161722, ClinGen allele CA350679243.